The following is an entry in ClinVar:

NM_020937.4(FANCM):c.1238A>G (p.Tyr413Cys)

Gene: FANCM (FA complementation group M; plus strand). Cytogenetic location: 14q21.2.
Variant type: single nucleotide variant.
Coding change: c.1238A>G on transcript NM_020937.4 (MANE Select); coding-DNA position 1238, A replaced by G.
Protein change: p.Tyr413Cys; replaces tyrosine 413 with cysteine.
Molecular consequence: missense variant.
Genome position (GRCh38, 1-based): chr14:45,154,751, A>G. VCF-style: chr14-45154751-A-G. GRCh37 (hg19) VCF-style: chr14-45623954-A-G.
Other names: c.1160A>G, p.Tyr387Cys (NM_001308133.2); c.1238A>G, p.Tyr413Cys (NM_001308134.2); short protein forms Y387C, Y413C.
Identifiers: ClinVar variation 1319688 (VCV001319688.5), dbSNP rs771835190, ClinGen allele CA7168975.

ClinVar aggregate classification (germline): Uncertain significance. Review status: criteria provided, multiple submitters, no conflicts (2 of 4 stars). 2 submissions from 2 submitters: Uncertain significance (2). Last evaluated 2025-02-08.

Conditions:
Fanconi anemia (FA). Also called: Fanconi's anemia. Identifiers: Orphanet 84, MedGen C0015625, MeSH D005199, MONDO:0019391.

Allele frequency attached by ClinVar (database versions not stated): ExAC 0.00001; gnomAD exomes below 0.00001.
gnomAD v4.1: 4 of 1,603,798 alleles (0.00025%); highest among the groups gnomAD compares: South Asian, 0.0022%; no homozygotes.

Submissions (2):

Labcorp Genetics (formerly Invitae), Labcorp
Classification: Uncertain significance for Fanconi anemia. Last evaluated: 2025-02-08. Review status: criteria provided, single submitter. Criteria: Invitae Variant Classification Sherloc (09022015). Collection method: clinical testing. Allele origin: germline.
Comment: This sequence change replaces tyrosine, which is neutral and polar, with cysteine, which is neutral and slightly polar, at codon 413 of the FANCM protein (p.Tyr413Cys). This variant is present in population databases (rs771835190, gnomAD 0.003%). This variant has not been reported in the literature in individuals affected with FANCM-related conditions. ClinVar contains an entry for this variant (Variation ID: 1319688). An algorithm developed to predict the effect of missense changes on protein structure and function (PolyPhen-2) suggests that this variant is likely to be tolerated. In summary, the available evidence is currently insufficient to determine the role of this variant in disease. Therefore, it has been classified as a Variant of Uncertain Significance.

Institute for Clinical Genetics, University Hospital TU Dresden, University Hospital TU Dresden
Classification: Uncertain significance. Last evaluated: 2021-11-03. Review status: criteria provided, single submitter. Criteria: ACMG Guidelines, 2015. Collection method: clinical testing. Allele origin: germline.